The following is an entry in ClinVar:

NM_000020.3(ACVRL1):c.82C>T (p.Arg28Trp)

Gene: ACVRL1 (activin A receptor like type 1; plus strand). Cytogenetic location: 12q13.13.
Variant type: single nucleotide variant.
Coding change: c.82C>T on transcript NM_000020.3 (MANE Select); coding-DNA position 82, C replaced by T.
Protein change: p.Arg28Trp; replaces arginine 28 with tryptophan.
Molecular consequence: missense variant.
Genome position (GRCh38, 1-based): chr12:51,913,119, C>T. VCF-style: chr12-51913119-C-T. GRCh37 (hg19) VCF-style: chr12-52306903-C-T.
Other names: c.82C>T, p.Arg28Trp (NM_001077401.2); short protein forms R28W.
Identifiers: ClinVar variation 806890 (VCV000806890.46), dbSNP rs761650726, ClinGen allele CA6572808.

ClinVar aggregate classification (germline): Uncertain significance. Review status: criteria provided, multiple submitters, no conflicts (2 of 4 stars). 4 submissions from 4 submitters: Uncertain significance (4). Last evaluated 2025-07-01.

Conditions:
Cardiovascular phenotype. Identifiers: MedGen CN230736.
Telangiectasia, hereditary hemorrhagic, type 2 (HHT2). Also called: ACVRL1-Related Hereditary Hemorrhagic Telangiectasia; Telangiectasia, hereditary hemorrhagic, type II. Identifiers: Orphanet 774, MedGen C1838163, MONDO:0010880, OMIM 600376. Disease mechanism: loss of function.

Allele frequency attached by ClinVar (database versions not stated): ExAC 0.00001; TOPMed 0.00001; gnomAD exomes 0.00003; gnomAD 0.00004 and 0.00005.

Submissions (4):

Labcorp Genetics (formerly Invitae), Labcorp
Classification: Uncertain significance for Telangiectasia, hereditary hemorrhagic, type 2. Last evaluated: 2025-07-01. Review status: criteria provided, single submitter. Criteria: Invitae Variant Classification Sherloc (09022015). Collection method: clinical testing. Allele origin: germline.
Comment: This sequence change replaces arginine, which is basic and polar, with tryptophan, which is neutral and slightly polar, at codon 28 of the ACVRL1 protein (p.Arg28Trp). This variant is present in population databases (rs761650726, gnomAD 0.007%). This variant has not been reported in the literature in individuals affected with ACVRL1-related conditions. ClinVar contains an entry for this variant (Variation ID: 806890). An algorithm developed to predict the effect of missense changes on protein structure and function outputs the following: PolyPhen-2: "Benign". The tryptophan amino acid residue is found in multiple mammalian species, which suggests that this missense change does not adversely affect protein function. In summary, the available evidence is currently insufficient to determine the role of this variant in disease. Therefore, it has been classified as a Variant of Uncertain Significance.

GeneDx
Classification: Uncertain significance. Last evaluated: 2025-03-20. Review status: criteria provided, single submitter. Criteria: GeneDx Variant Classification Process June 2021. Collection method: clinical testing. Allele origin: germline. Affected: yes.
Comment: In silico analysis supports that this missense variant has a deleterious effect on protein structure/function; Has not been previously published as pathogenic or benign to our knowledge

Ambry Genetics
Classification: Uncertain significance for Cardiovascular phenotype. Last evaluated: 2021-06-22. Review status: criteria provided, single submitter. Criteria: Ambry Variant Classification Scheme 2023. Collection method: clinical testing. Allele origin: germline.
Comment: The p.R28W variant (also known as c.82C>T), located in coding exon 2 of the ACVRL1 gene, results from a C to T substitution at nucleotide position 82. The arginine at codon 28 is replaced by tryptophan, an amino acid with dissimilar properties. This amino acid position is conserved. In addition, this alteration is predicted to be tolerated by in silico analysis. Since supporting evidence is limited at this time, the clinical significance of this alteration remains unclear.

CeGaT Center for Human Genetics Tuebingen
Classification: Uncertain significance. Last evaluated: 2019-07-01. Review status: criteria provided, single submitter. Criteria: CeGaT Center For Human Genetics Tuebingen Variant Classification Criteria Version 2. Collection method: clinical testing. Allele origin: germline. Affected: yes. Observed: 1 variant allele.